The following is an entry in ClinVar:

NM_000391.4(TPP1):c.782_785del (p.Val261fs)

Gene: TPP1 (tripeptidyl peptidase 1; minus strand). Cytogenetic location: 11p15.4.
Variant type: Deletion.
Coding change: c.782_785del on transcript NM_000391.4 (MANE Select); coding-DNA positions 782 to 785, 4 bases deleted (TTGG; older notation c.782_785delTTGG).
Protein change: p.Val261fs; shifts the reading frame from valine 261.
Molecular consequence: frameshift variant.
Genome position (GRCh38, 1-based): chr11:6,616,762-6,616,765, CCAA deleted on the plus strand (TTGG on the coding strand, the reverse complement: TPP1 is on the minus strand); deleting any 4 consecutive bases within chr11:6,616,762-6,616,768 gives the same sequence; the c. name uses the placement nearest the transcript's 3' end. VCF-style (leftmost placement, unchanged base first): chr11-6616761-TCCAA-T. GRCh37 (hg19) VCF-style: chr11-6637992-TCCAA-T.
Other names: short protein forms V261fs.
Identifiers: ClinVar variation 4818301 (VCV004818301.1).
Genomic context (GRCh38, chr11:6,616,761, plus strand): 5'-ACTCATCAGGTACTGCACATCTAGACTGGCCTCAATCCCGGCCCGGCCCCGGCCCTGTTG[TCCAA>T]CCACACGGGCTACTGATGCCTGATGTGCAAAGTTGCCACCGAAGAGGCGCATGAACTGAG-3'

ClinVar aggregate classification (germline): Likely pathogenic (1 of 4 stars; one submission).

Conditions:
Neuronal ceroid lipofuscinosis 2. Also called: JANSKY-BIELSCHOWSKY DISEASE NEURONAL CEROID LIPOFUSCINOSIS, LATE INFANTILE; TPP1-Related Neuronal Ceroid-Lipofuscinosis. Identifiers: Orphanet 168491, Orphanet 228349, Orphanet 79264, MedGen C1876161, MONDO:0008769, OMIM 204500.

Submission:

Natera, Inc.
Classification: Likely pathogenic for Neuronal ceroid lipofuscinosis 2. Last evaluated: 2025-06-25. Review status: criteria provided, single submitter. Criteria: Natera Variant Classification Schema (03/2026). Collection method: clinical testing. Allele origin: germline.
Comment: The c.782_785del variant in TPP1 is a frameshift variant predicted to shift the reading frame beginning at codon 261 and leads to a stop codon 14 codons downstream. This variant is expected to result in nonsense mediated decay, truncation, or a dysfunctional protein product. This variant is rare in the general population with a frequency below the threshold expected for the associated phenotype(s). Given the available evidence, this variant is classified as Likely Pathogenic.